The following is an entry in ClinVar:

ClinVar aggregate classification (germline): Benign (1 of 4 stars; one submission).

Submission:

Laboratory for Molecular Medicine, Mass General Brigham Personalized Medicine
Classification: Benign. Last evaluated: 2016-03-29. Review status: criteria provided, single submitter. Criteria: LMM Criteria. Collection method: clinical testing. Allele origin: germline.
Comment: Variant identified in a genome or exome case(s) and assessed due to predicted null impact of the variant or pathogenic assertions in the literature or databases. Disclaimer: This variant has not undergone full assessment. The following are preliminary notes: Frequency

NM_018897.3(DNAH7):c.4897-8del

Gene: DNAH7 (dynein axonemal heavy chain 7; minus strand). Cytogenetic location: 2q32.3.
Variant type: Deletion.
Coding change: c.4897-8del on transcript NM_018897.3 (MANE Select); 8 bases into the intron before coding-DNA position 4897, one base deleted (T; older notation c.4897-8delT).
Molecular consequence: intron variant.
Genome position (GRCh38, 1-based): chr2:195,891,812, A deleted on the plus strand (T on the coding strand, the reverse complement: DNAH7 is on the minus strand); the first of 11 consecutive A bases (chr2:195,891,812-195,891,822); deleting any one gives the same sequence. VCF-style (leftmost placement, unchanged base first): chr2-195891811-GA-G. GRCh37 (hg19) VCF-style: chr2-196756535-GA-G.
Identifiers: ClinVar variation 402751 (VCV000402751.4), dbSNP rs11292337, ClinGen allele CA2035575.